The following is an entry in ClinVar:

NM_032119.4(ADGRV1):c.18466C>T (p.His6156Tyr)

Gene: ADGRV1 (adhesion G protein-coupled receptor V1; plus strand). Cytogenetic location: 5q14.3.
Variant type: single nucleotide variant.
Coding change: c.18466C>T on transcript NM_032119.4 (MANE Select); coding-DNA position 18466, C replaced by T.
Protein change: p.His6156Tyr; replaces histidine 6156 with tyrosine.
Molecular consequence: missense variant. On other transcripts: non-coding transcript variant (1).
Genome position (GRCh38, 1-based): chr5:91,150,063, C>T. VCF-style: chr5-91150063-C-T. GRCh37 (hg19) VCF-style: chr5-90445880-C-T.
Other names: short protein forms H6156Y.
Identifiers: ClinVar variation 863832 (VCV000863832.7), dbSNP rs1795912359, ClinGen allele CA360432067.
Genomic context (GRCh38, chr5:91,150,063, plus strand): 5'-TCTTTTCTTTTTTTTTTTTTTTTGCAGGGACTTTATGTTTTCATGGTTTATTTCATTTTA[C>T]ACAACCAAATGTGTTGCCCTATGAAGGCCAGTTACACTGTGGAAATGAATGGGCATCCTG-3'
Protein context (NP_115495.3, residues 6146-6166): LYVFMVYFIL[His6156Tyr]NQMCCPMKAS

ClinVar aggregate classification (germline): Uncertain significance (1 of 4 stars; one submission).

Allele frequency attached by ClinVar (database versions not stated): gnomAD exomes below 0.00001.

Submission:

Labcorp Genetics (formerly Invitae), Labcorp
Classification: Uncertain significance. Last evaluated: 2022-05-29. Review status: criteria provided, single submitter. Criteria: Invitae Variant Classification Sherloc (09022015). Collection method: clinical testing. Allele origin: germline.
Comment: This sequence change replaces histidine, which is basic and polar, with tyrosine, which is neutral and polar, at codon 6156 of the ADGRV1 protein (p.His6156Tyr). This variant is not present in population databases (gnomAD no frequency). This variant has not been reported in the literature in individuals affected with ADGRV1-related conditions. ClinVar contains an entry for this variant (Variation ID: 863832). Algorithms developed to predict the effect of missense changes on protein structure and function are either unavailable or do not agree on the potential impact of this missense change (SIFT: "Deleterious"; PolyPhen-2: "Benign"; Align-GVGD: "Class C0"). In summary, the available evidence is currently insufficient to determine the role of this variant in disease. Therefore, it has been classified as a Variant of Uncertain Significance.